The following is an entry in ClinVar:

ClinVar aggregate classification (germline): Uncertain significance. Review status: criteria provided, multiple submitters, no conflicts (2 of 4 stars). 4 submissions from 4 submitters: Uncertain significance (4). Last evaluated 2025-10-02.

Conditions:
Autosomal recessive limb-girdle muscular dystrophy type 2A (LGMDR1). Also called: Limb-girdle muscular dystrophy, type 2A; Calpainopathy; Muscular dystrophy, limb-girdle, type 2A, Amish; LEYDEN-MOEBIUS MUSCULAR DYSTROPHY; MUSCULAR DYSTROPHY, PELVOFEMORAL. Identifiers: Orphanet 267, MedGen C1869123, MONDO:0009675, OMIM 253600. Disease mechanism: loss of function.

gnomAD v4.1: 1 of 1,612,540 alleles (0.000062%); no homozygotes.

Submissions (4):

Labcorp Genetics (formerly Invitae), Labcorp
Classification: Uncertain significance for Autosomal recessive limb-girdle muscular dystrophy type 2A. Last evaluated: 2025-10-02. Review status: criteria provided, single submitter. Criteria: Invitae Variant Classification Sherloc (09022015). Collection method: clinical testing. Allele origin: germline.
Comment: This sequence change replaces alanine, which is neutral and non-polar, with proline, which is neutral and non-polar, at codon 160 of the CAPN3 protein (p.Ala160Pro). This variant is not present in population databases (gnomAD no frequency). This variant has not been reported in the literature in individuals affected with CAPN3-related conditions. ClinVar contains an entry for this variant (Variation ID: 291227). Invitae Evidence Modeling of protein sequence and biophysical properties (such as structural, functional, and spatial information, amino acid conservation, physicochemical variation, residue mobility, and thermodynamic stability) indicates that this missense variant is expected to disrupt CAPN3 protein function with a positive predictive value of 80%. In summary, the available evidence is currently insufficient to determine the role of this variant in disease. Therefore, it has been classified as a Variant of Uncertain Significance.

Revvity Omics, Revvity
Classification: Uncertain significance. Last evaluated: 2024-09-10. Review status: criteria provided, single submitter. Criteria: ACMG Guidelines, 2015. Collection method: clinical testing. Allele origin: germline.

CeGaT Center for Human Genetics Tuebingen
Classification: Uncertain significance. Last evaluated: 2019-08-01. Review status: criteria provided, single submitter. Criteria: CeGaT Center For Human Genetics Tuebingen Variant Classification Criteria Version 2. Collection method: clinical testing. Allele origin: germline. Affected: yes. Observed: 1 variant allele.

Eurofins Ntd Llc (ga)
Classification: Uncertain significance. Last evaluated: 2016-09-23. Review status: criteria provided, single submitter. Criteria: EGL Classification Definitions 2015. Collection method: clinical testing. Allele origin: germline. Observed: 1 variant allele, 1 heterozygote.

NM_000070.3(CAPN3):c.478G>C (p.Ala160Pro)

Genes: CAPN3 (calpain 3; plus strand), LOC126862115 (BRD4-independent group 4 enhancer GRCh37_chr15:42677734-42678933; plus strand). Cytogenetic location: 15q15.1.
Variant type: single nucleotide variant.
Coding change: c.478G>C on transcript NM_000070.3 (MANE Select); coding-DNA position 478, G replaced by C.
Protein change: p.Ala160Pro; replaces alanine 160 with proline.
Molecular consequence: missense variant.
Genome position (GRCh38, 1-based): chr15:42,386,265, G>C. VCF-style: chr15-42386265-G-C. GRCh37 (hg19) VCF-style: chr15-42678463-G-C.
Other names: c.478G>C, p.Ala160Pro (NM_024344.2, NM_173087.2); short protein forms A160P.
Identifiers: ClinVar variation 291227 (VCV000291227.56), dbSNP rs749697583, ClinGen allele CA10607069.